The following is an entry in ClinVar:

ClinVar aggregate classification (germline): Uncertain significance (1 of 4 stars; one submission).

Conditions:
Bardet-Biedl syndrome (BBS). Identifiers: Orphanet 110, MedGen C0752166, MONDO:0015229.

Allele frequency attached by ClinVar (database versions not stated): gnomAD exomes below 0.00001; ExAC 0.00001.

Submission:

Labcorp Genetics (formerly Invitae), Labcorp
Classification: Uncertain significance for Bardet-Biedl syndrome. Last evaluated: 2024-02-17. Review status: criteria provided, single submitter. Criteria: Invitae Variant Classification Sherloc (09022015). Collection method: clinical testing. Allele origin: germline.
Comment: This sequence change replaces leucine, which is neutral and non-polar, with isoleucine, which is neutral and non-polar, at codon 637 of the BBS10 protein (p.Leu637Ile). This variant is present in population databases (rs777954013, gnomAD 0.0009%). This variant has not been reported in the literature in individuals affected with BBS10-related conditions. ClinVar contains an entry for this variant (Variation ID: 1445871). Advanced modeling of protein sequence and biophysical properties (such as structural, functional, and spatial information, amino acid conservation, physicochemical variation, residue mobility, and thermodynamic stability) performed at Invitae indicates that this missense variant is expected to disrupt BBS10 protein function with a positive predictive value of 80%. In summary, the available evidence is currently insufficient to determine the role of this variant in disease. Therefore, it has been classified as a Variant of Uncertain Significance.

NM_024685.4(BBS10):c.1909C>A (p.Leu637Ile)

Gene: BBS10 (Bardet-Biedl syndrome 10; minus strand). Cytogenetic location: 12q21.2.
Variant type: single nucleotide variant.
Coding change: c.1909C>A on transcript NM_024685.4 (MANE Select); coding-DNA position 1909, C replaced by A.
Protein change: p.Leu637Ile; replaces leucine 637 with isoleucine.
Molecular consequence: missense variant.
Genome position (GRCh38, 1-based): chr12:76,346,076, G>T on the plus strand (C>A on the coding strand, the complement: BBS10 is on the minus strand). VCF-style: chr12-76346076-G-T. GRCh37 (hg19) VCF-style: chr12-76739856-G-T.
Other names: short protein forms L637I.
Identifiers: ClinVar variation 1445871 (VCV001445871.5), dbSNP rs777954013, ClinGen allele CA6694086.